The following is an entry in ClinVar:

ClinVar aggregate classification (germline): Likely pathogenic (1 of 4 stars; one submission).

Conditions:
Primary ciliary dyskinesia. Also called: Ciliary dyskinesia. Identifiers: Orphanet 244, MedGen C0008780, MONDO:0016575, HP:0012265.

gnomAD v4.1: 1 of 1,613,842 alleles (0.000062%); highest among the groups gnomAD compares: Non-Finnish European, 0.000085%; no homozygotes.

Submission:

Labcorp Genetics (formerly Invitae), Labcorp
Classification: Likely pathogenic for Primary ciliary dyskinesia. Last evaluated: 2024-10-05. Review status: criteria provided, single submitter. Criteria: Invitae Variant Classification Sherloc (09022015). Collection method: clinical testing. Allele origin: germline.
Comment: This sequence change affects an acceptor splice site in intron 5 of the CCDC40 gene. It is expected to disrupt RNA splicing. Variants that disrupt the donor or acceptor splice site typically lead to a loss of protein function (PMID: 16199547), and loss-of-function variants in CCDC40 are known to be pathogenic (PMID: 21131974, 22693285, 23255504). This variant is not present in population databases (gnomAD no frequency). This variant has not been reported in the literature in individuals affected with CCDC40-related conditions. Algorithms developed to predict the effect of sequence changes on RNA splicing suggest that this variant may disrupt the consensus splice site. In summary, the currently available evidence indicates that the variant is pathogenic, but additional data are needed to prove that conclusively. Therefore, this variant has been classified as Likely Pathogenic.

Literature cited by the submitters: PubMed 16199547; PubMed 21131974; PubMed 22693285; PubMed 23255504.

NM_017950.4(CCDC40):c.856-2A>G

Gene: CCDC40 (coiled-coil domain 40 molecular ruler complex subunit; plus strand). Cytogenetic location: 17q25.3.
Variant type: single nucleotide variant.
Coding change: c.856-2A>G on transcript NM_017950.4 (MANE Select); the canonical splice acceptor site of the intron before coding-DNA position 856, A replaced by G.
Molecular consequence: splice acceptor variant.
Genome position (GRCh38, 1-based): chr17:80,049,904, A>G. VCF-style: chr17-80049904-A-G. GRCh37 (hg19) VCF-style: chr17-78023703-A-G.
Other names: c.856-2A>G (NM_001330508.2, NM_001243342.2).
Identifiers: ClinVar variation 3691601 (VCV003691601.2).